The following is an entry in ClinVar:

ClinVar aggregate classification (germline): Uncertain significance (1 of 4 stars; one submission).

Conditions:
Left ventricular noncompaction 8 (LVNC8). Identifiers: Orphanet 154, Orphanet 54260, MedGen C3809288, MONDO:0014152, OMIM 615373.

Submission:

Labcorp Genetics (formerly Invitae), Labcorp
Classification: Uncertain significance for Left ventricular noncompaction 8. Last evaluated: 2020-10-20. Review status: criteria provided, single submitter. Criteria: Invitae Variant Classification Sherloc (09022015). Collection method: clinical testing. Allele origin: germline.
Comment: A copy number gain of the genomic region encompassing the full coding sequence of the PRDM16 gene has been identified. The boundaries of this event are unknown as they extend beyond the assayed region for this gene and therefore may encompass additional genes. As the precise location of this event is unknown, it may be in tandem or it may be located elsewhere in the genome. This variant has not been reported in the literature in individuals with PRDM16-related conditions. Experimental studies and prediction algorithms are not available or were not evaluated, and the functional significance of this variant is currently unknown. In summary, the available evidence is currently insufficient to determine the role of this variant in disease. Therefore, it has been classified as a Variant of Uncertain Significance.

NC_000001.10:g.(?_2957600)_(3350385_?)dup

Gene: PRDM16 (PR/SET domain 16; plus strand). Cytogenetic location: 1p36.32.
Variant type: Duplication.
Identifiers: ClinVar variation 1000455 (VCV001000455.1).